The following is an entry in ClinVar:

NM_001393504.1(MAST3):c.735C>T (p.His245=)

Gene: MAST3 (microtubule associated serine/threonine kinase 3; plus strand). Cytogenetic location: 19p13.11.
Variant type: single nucleotide variant.
Coding change: c.735C>T on transcript NM_001393504.1 (MANE Select); coding-DNA position 735, C replaced by T.
Protein change: p.His245=; no amino-acid change (histidine 245 retained).
Molecular consequence: synonymous variant.
Genome position (GRCh38, 1-based): chr19:18,124,040, C>T. VCF-style: chr19-18124040-C-T. GRCh37 (hg19) VCF-style: chr19-18234850-C-T.
Other names: c.759C>T, p.His253= (NM_001393501.1); c.738C>T, p.His246= (NM_001393502.1); c.735C>T, p.His245= (NM_001393503.1); c.732C>T, p.His244= (NM_001393505.1); c.687C>T, p.His229= (NM_001393506.1, NM_001393513.1); c.714C>T, p.His238= (NM_001393507.1); c.669C>T, p.His223= (NM_001393508.1, NM_001393516.1); c.666C>T, p.His222= (NM_001393509.1, NM_001393510.1, NM_001393512.1 and 2 more transcripts); and 4 more.
Identifiers: ClinVar variation 4533894 (VCV004533894.6).

ClinVar aggregate classification (germline): Likely benign (1 of 4 stars; one submission).

gnomAD v4.1: 651 of 1,605,646 alleles (0.041%); highest among the groups gnomAD compares: East Asian, 1.4%; 10 homozygotes.

Submission:

CeGaT Center for Human Genetics Tuebingen
Classification: Likely benign. Last evaluated: 2025-10-01. Review status: criteria provided, single submitter. Criteria: CeGaT Center For Human Genetics Tuebingen Variant Classification Criteria Version 2. Collection method: clinical testing. Allele origin: germline. Affected: yes. Observed: 1 variant allele.
Comment: MAST3: BP4, BP7, BS1